The following is an entry in ClinVar:

ClinVar aggregate classification (germline): Benign/Likely benign. Review status: criteria provided, multiple submitters, no conflicts (2 of 4 stars). 5 submissions from 5 submitters: Benign (3); Likely benign (2). Last evaluated 2026-08-01.

Conditions:
Adams-Oliver syndrome 4 (AOS4). Identifiers: Orphanet 974, MedGen C3809092, MONDO:0014124, OMIM 615297.

Allele frequency attached by ClinVar (database versions not stated): 1000 Genomes Project 0.00240; 1000 Genomes Project 30x 0.00265; ESP Exome Variant Server 0.00284; gnomAD 0.00355 and 0.00372; TOPMed 0.00379; gnomAD exomes 0.00463; ExAC 0.00530.
gnomAD v4.1: 8,560 of 1,601,624 alleles (0.53%); highest among the groups gnomAD compares: South Asian, 1.4%; 42 homozygotes.

Submissions (5):

CeGaT Center for Human Genetics Tuebingen
Classification: Benign. Last evaluated: 2026-08-01. Review status: criteria provided, single submitter. Criteria: CeGaT Center For Human Genetics Tuebingen Variant Classification Criteria Version 2. Collection method: clinical testing. Allele origin: germline. Affected: yes. Observed: 10 variant alleles.
Comment: EOGT: BP4, BP7, BS1, BS2

Labcorp Genetics (formerly Invitae), Labcorp
Classification: Benign for Adams-Oliver syndrome 4. Last evaluated: 2026-01-19. Review status: criteria provided, single submitter. Criteria: Invitae Variant Classification Sherloc (09022015). Collection method: clinical testing. Allele origin: germline.

GeneDx
Classification: Benign. Last evaluated: 2021-06-11. Review status: criteria provided, single submitter. Criteria: GeneDx Variant Classification Process June 2021. Collection method: clinical testing. Allele origin: germline. Affected: yes.

Center for Pediatric Genomic Medicine, Children's Mercy Hospital and Clinics
Classification: Likely benign. Last evaluated: 2016-07-08. Review status: criteria provided, single submitter. Criteria: ACMG Guidelines, 2015. Collection method: clinical testing. Allele origin: germline.
ClinVar note: Converted during submission from Likely Benign to Likely benign.

Breakthrough Genomics
Classification: Likely benign. Review status: criteria provided, single submitter. Criteria: ACMG Guidelines, 2015. Collection method: not provided. Allele origin: germline. Inheritance: Autosomal recessive inheritance. Affected: yes.

NM_001278689.2(EOGT):c.783C>T (p.His261=)

Gene: EOGT (EGF domain specific O-linked N-acetylglucosamine transferase; minus strand). Cytogenetic location: 3p14.1.
Variant type: single nucleotide variant.
Coding change: c.783C>T on transcript NM_001278689.2 (MANE Select); coding-DNA position 783, C replaced by T.
Protein change: p.His261=; no amino-acid change (histidine 261 retained).
Molecular consequence: synonymous variant.
Genome position (GRCh38, 1-based): chr3:68,998,059, G>A on the plus strand (C>T on the coding strand, the complement: EOGT is on the minus strand). VCF-style: chr3-68998059-G-A. GRCh37 (hg19) VCF-style: chr3-69047210-G-A.
Other names: c.783C>T, p.His261= (NM_173654.3).
Identifiers: ClinVar variation 376918 (VCV000376918.36), dbSNP rs147327086, ClinGen allele CA2486792.